The following is an entry in ClinVar:

NM_033448.3(KRT71):c.1476C>T (p.Gly492=)

Gene: KRT71 (keratin 71; minus strand). Cytogenetic location: 12q13.13.
Variant type: single nucleotide variant.
Coding change: c.1476C>T on transcript NM_033448.3 (MANE Select); coding-DNA position 1476, C replaced by T.
Protein change: p.Gly492=; no amino-acid change (glycine 492 retained).
Molecular consequence: synonymous variant.
Genome position (GRCh38, 1-based): chr12:52,544,628, G>A on the plus strand (C>T on the coding strand, the complement: KRT71 is on the minus strand). VCF-style: chr12-52544628-G-A. GRCh37 (hg19) VCF-style: chr12-52938412-G-A.
Identifiers: ClinVar variation 4691482 (VCV004691482.1).

ClinVar aggregate classification (germline): Uncertain significance (1 of 4 stars; one submission).

gnomAD v4.1: 43 of 1,613,858 alleles (0.0027%); highest among the groups gnomAD compares: Non-Finnish European, 0.0033%; no homozygotes.

Submission:

Labcorp Genetics (formerly Invitae), Labcorp
Classification: Uncertain significance. Last evaluated: 2025-11-04. Review status: criteria provided, single submitter. Criteria: Invitae Variant Classification Sherloc (09022015). Collection method: clinical testing. Allele origin: germline.
Comment: This sequence change affects codon 492 of the KRT71 mRNA. It is a 'silent' change, meaning that it does not change the encoded amino acid sequence of the KRT71 protein. This variant is present in population databases (rs375990023, gnomAD 0.008%). This variant has not been reported in the literature in individuals affected with KRT71-related conditions. Algorithms developed to predict the effect of sequence changes on RNA splicing suggest that this variant may create or strengthen a splice site. In summary, the available evidence is currently insufficient to determine the role of this variant in disease. Therefore, it has been classified as a Variant of Uncertain Significance.